The following is an entry in ClinVar:

ClinVar aggregate classification (germline): Uncertain significance. Review status: criteria provided, multiple submitters, no conflicts (2 of 4 stars). 3 submissions from 3 submitters: Uncertain significance (3). Last evaluated 2025-04-30.

Conditions:
Juvenile polyposis syndrome (JPS). Identifiers: Orphanet 2929, MedGen C0345893, MONDO:0017380, OMIM 174900.
Hereditary cancer-predisposing syndrome. Also called: Neoplastic Syndromes, Hereditary; Hereditary Cancer Syndrome; Hereditary neoplastic syndrome; Tumor predisposition. Identifiers: Orphanet 140162, MedGen C0027672, MeSH D009386, MONDO:0015356.

Submissions (3):

Ambry Genetics
Classification: Uncertain significance for Hereditary cancer-predisposing syndrome. Last evaluated: 2025-04-30. Review status: criteria provided, single submitter. Criteria: Ambry Variant Classification Scheme 2023. Collection method: clinical testing. Allele origin: germline.
Comment: The p.E286D variant (also known as c.858A>C), located in coding exon 7 of the BMPR1A gene, results from an A to C substitution at nucleotide position 858. The glutamic acid at codon 286 is replaced by aspartic acid, an amino acid with highly similar properties. This amino acid position is well conserved in available vertebrate species. In addition, this alteration is predicted to be tolerated by in silico analysis. Based on the available evidence, the clinical significance of this variant remains unclear.

Labcorp Genetics (formerly Invitae), Labcorp
Classification: Uncertain significance for Juvenile polyposis syndrome. Last evaluated: 2024-05-18. Review status: criteria provided, single submitter. Criteria: Invitae Variant Classification Sherloc (09022015). Collection method: clinical testing. Allele origin: germline.
Comment: This sequence change replaces glutamic acid, which is acidic and polar, with aspartic acid, which is acidic and polar, at codon 286 of the BMPR1A protein (p.Glu286Asp). This variant is not present in population databases (gnomAD no frequency). This variant has not been reported in the literature in individuals affected with BMPR1A-related conditions. ClinVar contains an entry for this variant (Variation ID: 2153565). Advanced modeling of protein sequence and biophysical properties (such as structural, functional, and spatial information, amino acid conservation, physicochemical variation, residue mobility, and thermodynamic stability) performed at Invitae indicates that this missense variant is not expected to disrupt BMPR1A protein function with a negative predictive value of 80%. In summary, the available evidence is currently insufficient to determine the role of this variant in disease. Therefore, it has been classified as a Variant of Uncertain Significance.

All of Us Research Program, National Institutes of Health
Classification: Uncertain significance for Juvenile polyposis syndrome. Last evaluated: 2023-09-17. Review status: criteria provided, single submitter. Criteria: ACMG Guidelines, 2015. Collection method: clinical testing. Allele origin: germline. Inheritance: Autosomal dominant inheritance. Observed: 1 variant allele, 1 heterozygote.
Comment: This missense variant replaces glutamic acid with aspartic acid at codon 286 of the BMPR1A protein. Computational prediction suggests that this variant may not impact protein structure and function (internally defined REVEL score threshold <= 0.5, PMID: 27666373). To our knowledge, functional studies have not been reported for this variant. This variant has not been reported in individuals affected with BMPR1A-related disorders in the literature. This variant has not been identified in the general population by the Genome Aggregation Database (gnomAD). The available evidence is insufficient to determine the role of this variant in disease conclusively. Therefore, this variant is classified as a Variant of Uncertain Significance.

This study involves interpretation of variants in research participants for the purpose of population health screening. Participant phenotype was not available at the time of variant classification. Additional details can be found in publication PMID: 35346344, PMCID: PMC8962531

NM_004329.3(BMPR1A):c.858A>C (p.Glu286Asp)

Gene: BMPR1A (bone morphogenetic protein receptor type 1A; plus strand). Cytogenetic location: 10q23.2.
Variant type: single nucleotide variant.
Coding change: c.858A>C on transcript NM_004329.3 (MANE Select); coding-DNA position 858, A replaced by C.
Protein change: p.Glu286Asp; replaces glutamic acid 286 with aspartic acid.
Molecular consequence: missense variant.
Genome position (GRCh38, 1-based): chr10:86,917,316, A>C. VCF-style: chr10-86917316-A-C. GRCh37 (hg19) VCF-style: chr10-88677073-A-C.
Other names: c.933A>C, p.Glu311Asp (NM_001406559.1); c.906A>C, p.Glu302Asp (NM_001406560.1); c.858A>C, p.Glu286Asp (NM_001406561.1, NM_001406562.1, NM_001406563.1 and 19 more transcripts); c.852A>C, p.Glu284Asp (NM_001406583.1); c.774A>C, p.Glu258Asp (NM_001406584.1, NM_001406585.1, NM_001406586.1 and 2 more transcripts); c.516A>C, p.Glu172Asp (NM_001406589.1); short protein forms E286D, E302D, E258D, E284D, E172D, E311D.
Identifiers: ClinVar variation 2153565 (VCV002153565.6), dbSNP rs2539605674, ClinGen allele CA377458826.